The following is an entry in ClinVar:

ClinVar aggregate classification (germline): Uncertain significance. Review status: criteria provided, multiple submitters, no conflicts (2 of 4 stars). 2 submissions from 2 submitters: Uncertain significance (2). Last evaluated 2025-08-31.

Conditions:
Inborn genetic diseases. Identifiers: MedGen C0950123, MeSH D030342.

Allele frequency attached by ClinVar (database versions not stated): gnomAD exomes below 0.00001.

Submissions (2):

Ambry Genetics
Classification: Uncertain significance for Inborn genetic diseases. Last evaluated: 2025-08-31. Review status: criteria provided, single submitter. Criteria: Ambry Variant Classification Scheme 2023. Collection method: clinical testing. Allele origin: germline.

GeneDx
Classification: Uncertain significance. Last evaluated: 2021-06-11. Review status: criteria provided, single submitter. Criteria: GeneDx Variant Classification Process June 2021. Collection method: clinical testing. Allele origin: germline. Affected: yes.
Comment: Not observed at significant frequency in large population cohorts (Lek et al., 2016); In silico analysis supports that this missense variant has a deleterious effect on protein structure/function; Has not been previously published as pathogenic or benign to our knowledge; This variant is associated with the following publications: (PMID: 27535533)

NM_001170629.2(CHD8):c.7280C>T (p.Ser2427Phe)

Gene: CHD8 (chromodomain helicase DNA binding protein 8; minus strand). Cytogenetic location: 14q11.2.
Variant type: single nucleotide variant.
Coding change: c.7280C>T on transcript NM_001170629.2 (MANE Select); coding-DNA position 7280, C replaced by T.
Protein change: p.Ser2427Phe; replaces serine 2427 with phenylalanine.
Molecular consequence: missense variant.
Genome position (GRCh38, 1-based): chr14:21,386,079, G>A on the plus strand (C>T on the coding strand, the complement: CHD8 is on the minus strand). VCF-style: chr14-21386079-G-A. GRCh37 (hg19) VCF-style: chr14-21854238-G-A.
Other names: c.6443C>T, p.Ser2148Phe (NM_020920.4); short protein forms S2148F, S2427F.
Identifiers: ClinVar variation 1328818 (VCV001328818.3), dbSNP rs2139428600, ClinGen allele CA388875511.